The following is an entry in ClinVar:

NM_130760.3(MADCAM1):c.723C>T (p.Pro241=)

Genes: MADCAM1 (mucosal vascular addressin cell adhesion molecule 1; plus strand), MADCAM1-AS1 (MADCAM1 antisense RNA 1; minus strand). Cytogenetic location: 19p13.3.
Variant type: single nucleotide variant.
Coding change: c.723C>T on transcript NM_130760.3 (MANE Select); coding-DNA position 723, C replaced by T.
Protein change: p.Pro241=; no amino-acid change (proline 241 retained).
Molecular consequence: synonymous variant. On other transcripts: intron variant (1).
Genome position (GRCh38, 1-based): chr19:501,724, C>T. VCF-style: chr19-501724-C-T. GRCh37 (hg19) VCF-style: chr19-501724-C-T.
Other names: c.667+2899C>T (NM_130762.3).
Identifiers: ClinVar variation 4871986 (VCV004871986.2).

ClinVar aggregate classification (germline): Likely benign (1 of 4 stars; one submission).

Submission:

CeGaT Center for Human Genetics Tuebingen
Classification: Likely benign. Last evaluated: 2026-07-01. Review status: criteria provided, single submitter. Criteria: CeGaT Center For Human Genetics Tuebingen Variant Classification Criteria Version 2. Collection method: clinical testing. Allele origin: germline. Affected: yes. Observed: 1 variant allele.
Comment: MADCAM1: BP4, BP7